The following is an entry in ClinVar:

ClinVar aggregate classification (germline): Uncertain significance (1 of 4 stars; one submission).

gnomAD v4.1: 3 of 1,614,082 alleles (0.00019%); highest among the groups gnomAD compares: Non-Finnish European, 0.00025%; no homozygotes.

Submission:

Labcorp Genetics (formerly Invitae), Labcorp
Classification: Uncertain significance. Last evaluated: 2024-10-14. Review status: criteria provided, single submitter. Criteria: Invitae Variant Classification Sherloc (09022015). Collection method: clinical testing. Allele origin: germline.
Comment: This sequence change affects codon 36 of the KIF20A mRNA. It is a 'silent' change, meaning that it does not change the encoded amino acid sequence of the KIF20A protein. This variant is present in population databases (rs763690713, gnomAD 0.002%). This variant has not been reported in the literature in individuals affected with KIF20A-related conditions. Algorithms developed to predict the effect of sequence changes on RNA splicing suggest that this variant may create or strengthen a splice site. In summary, the available evidence is currently insufficient to determine the role of this variant in disease. Therefore, it has been classified as a Variant of Uncertain Significance.

NM_005733.3(KIF20A):c.108C>T (p.Arg36=)

Gene: KIF20A (kinesin family member 20A; plus strand). Cytogenetic location: 5q31.2.
Variant type: single nucleotide variant.
Coding change: c.108C>T on transcript NM_005733.3 (MANE Select); coding-DNA position 108, C replaced by T.
Protein change: p.Arg36=; no amino-acid change (arginine 36 retained).
Molecular consequence: synonymous variant.
Genome position (GRCh38, 1-based): chr5:138,179,788, C>T. VCF-style: chr5-138179788-C-T. GRCh37 (hg19) VCF-style: chr5-137515477-C-T.
Identifiers: ClinVar variation 3616448 (VCV003616448.2).